The following is an entry in ClinVar:

ClinVar aggregate classification (germline): Likely benign. Review status: criteria provided, single submitter (1 of 4 stars). 2 submissions from 2 submitters: Likely benign (1). 1 of the submissions does not count toward it. Last evaluated 2024-02-23.

Conditions:
DNA2-related disorder. Also called: DNA2-related condition.

Allele frequency attached by ClinVar (database versions not stated): TOPMed below 0.00001; gnomAD 0.00001; gnomAD exomes 0.00003; ExAC 0.00006; 1000 Genomes Project 30x 0.00016; 1000 Genomes Project 0.00020.
gnomAD v4.1: 46 of 1,611,318 alleles (0.0029%); highest among the groups gnomAD compares: South Asian, 0.051%; no homozygotes.

Submissions (2):

Labcorp Genetics (formerly Invitae), Labcorp
Classification: Likely benign. Last evaluated: 2024-02-23. Review status: criteria provided, single submitter. Criteria: Invitae Variant Classification Sherloc (09022015). Collection method: clinical testing. Allele origin: germline.

PreventionGenetics, part of Exact Sciences
Classification: Likely benign for DNA2-related condition. Last evaluated: 2020-05-13. Review status: no assertion criteria provided. Collection method: clinical testing. Allele origin: germline. Not counted in ClinVar's aggregate classification.
Comment: This variant is classified as likely benign based on ACMG/AMP sequence variant interpretation guidelines (Richards et al. 2015 PMID: 25741868, with internal and published modifications).

NM_001080449.3(DNA2):c.2829C>T (p.Tyr943=)

Gene: DNA2 (DNA replication helicase/nuclease 2; minus strand). Cytogenetic location: 10q21.3.
Variant type: single nucleotide variant.
Coding change: c.2829C>T on transcript NM_001080449.3 (MANE Select); coding-DNA position 2829, C replaced by T.
Protein change: p.Tyr943=; no amino-acid change (tyrosine 943 retained).
Molecular consequence: synonymous variant. On other transcripts: non-coding transcript variant (1).
Genome position (GRCh38, 1-based): chr10:68,419,172, G>A on the plus strand (C>T on the coding strand, the complement: DNA2 is on the minus strand). VCF-style: chr10-68419172-G-A. GRCh37 (hg19) VCF-style: chr10-70178929-G-A.
Other names: c.2829C>T (NM_001080449.2).
Identifiers: ClinVar variation 3007366 (VCV003007366.5), dbSNP rs544049047, ClinGen allele CA5524721.
Genomic context (GRCh38, chr10:68,419,172, plus strand): 5'-AACTTCGACCATCCCAATAGAACGTGCCAATAAATCATTGATGATCTTTAATTGCTGCCT[G>A]TACGGTGCAATAATACCAATATCAGAGGGACTGCATCCAGCCTAAATAGAAAAAGACACA-3'
Protein context (NP_001073918.2, residues 933-953): SPSDIGIIAP[Tyr943=]RQQLKIINDL